The following is an entry in ClinVar:

ClinVar aggregate classification (germline): Likely benign (1 of 4 stars; one submission).

gnomAD v4.1: 1 of 1,614,170 alleles (0.000062%); highest among the groups gnomAD compares: Non-Finnish European, 0.000085%; no homozygotes.

Submission:

CeGaT Center for Human Genetics Tuebingen
Classification: Likely benign. Last evaluated: 2025-12-01. Review status: criteria provided, single submitter. Criteria: CeGaT Center For Human Genetics Tuebingen Variant Classification Criteria Version 2. Collection method: clinical testing. Allele origin: germline. Affected: yes. Observed: 1 variant allele.
Comment: SETBP1: BP4

NM_015559.3(SETBP1):c.692T>C (p.Val231Ala)

Gene: SETBP1 (SET binding protein 1; plus strand). Cytogenetic location: 18q12.3.
Variant type: single nucleotide variant.
Coding change: c.692T>C on transcript NM_015559.3 (MANE Select); coding-DNA position 692, T replaced by C.
Protein change: p.Val231Ala; replaces valine 231 with alanine.
Molecular consequence: missense variant.
Genome position (GRCh38, 1-based): chr18:44,950,032, T>C. VCF-style: chr18-44950032-T-C. GRCh37 (hg19) VCF-style: chr18-42529997-T-C.
Other names: c.692T>C, p.Val231Ala (NM_001379141.1, NM_001379142.1, NM_001410862.1); short protein forms V231A.
Identifiers: ClinVar variation 4681606 (VCV004681606.5).